The following is an entry in ClinVar:

ClinVar aggregate classification (germline): Conflicting classifications of pathogenicity. Review status: criteria provided, conflicting classifications (1 of 4 stars). 4 submissions from 4 submitters: Uncertain significance (1); Likely benign (2). 1 of the submissions does not count toward it. Last evaluated 2025-02-19.

Conditions:
Intellectual disability. Also called: Intellectual functioning disability; intellectual disabilities; Intellectual developmental disorder. Identifiers: MedGen C3714756, MeSH D008607, MONDO:0001071, HP:0001249.
BPTF-related disorder. Also called: BPTF-related condition.
Inborn genetic diseases. Identifiers: MedGen C0950123, MeSH D030342.

Allele frequency attached by ClinVar (database versions not stated): ExAC 0.00029; 1000 Genomes Project 0.00040; 1000 Genomes Project 30x 0.00031; gnomAD exomes 0.00042; gnomAD 0.00029; TOPMed 0.00055; ESP Exome Variant Server 0.00069.
gnomAD v4.1: 662 of 1,614,176 alleles (0.041%); highest among the groups gnomAD compares: Middle Eastern, 0.066%; 1 homozygote.

Submissions (4):

Labcorp Genetics (formerly Invitae), Labcorp
Classification: Likely benign. Last evaluated: 2025-02-19. Review status: criteria provided, single submitter. Criteria: Invitae Variant Classification Sherloc (09022015). Collection method: clinical testing. Allele origin: germline.

Ambry Genetics
Classification: Likely benign for Inborn genetic diseases. Last evaluated: 2023-11-04. Review status: criteria provided, single submitter. Criteria: Ambry Variant Classification Scheme 2023. Collection method: clinical testing. Allele origin: germline.

Cambridge Genomics Laboratory, East Genomic Laboratory Hub, NHS Genomic Medicine Service
Classification: Uncertain significance for Intellectual disability. Last evaluated: 2020-07-13. Review status: criteria provided, single submitter. Criteria: ACGS Best Practice Guidelines for Variant Classification in Rare Disease 2020. Collection method: clinical testing. Allele origin: germline. Affected: yes. Observed: 1 variant allele.

PreventionGenetics, part of Exact Sciences
Classification: Likely benign for BPTF-related condition. Last evaluated: 2019-06-13. Review status: no assertion criteria provided. Collection method: clinical testing. Allele origin: germline. Not counted in ClinVar's aggregate classification.
Comment: This variant is classified as likely benign based on ACMG/AMP sequence variant interpretation guidelines (Richards et al. 2015 PMID: 25741868, with internal and published modifications).

NM_182641.4(BPTF):c.6103A>G (p.Ile2035Val)

Gene: BPTF (bromodomain PHD finger transcription factor; plus strand). Cytogenetic location: 17q24.2.
Variant type: single nucleotide variant.
Coding change: c.6103A>G on transcript NM_182641.4 (MANE Select); coding-DNA position 6103, A replaced by G.
Protein change: p.Ile2035Val; replaces isoleucine 2035 with valine.
Molecular consequence: missense variant.
Genome position (GRCh38, 1-based): chr17:67,929,440, A>G. VCF-style: chr17-67929440-A-G. GRCh37 (hg19) VCF-style: chr17-65925556-A-G.
Other names: c.6103A>G (NM_182641.3); c.6481A>G, p.Ile2161Val (NM_004459.7); short protein forms I2161V, I2035V.
Identifiers: ClinVar variation 2046586 (VCV002046586.8), dbSNP rs140942173, ClinGen allele CA8726102.